The following is an entry in ClinVar:

NM_014991.6(WDFY3):c.8919T>A (p.His2973Gln)

Gene: WDFY3 (WD repeat and FYVE domain containing 3; minus strand). Cytogenetic location: 4q21.23.
Variant type: single nucleotide variant.
Coding change: c.8919T>A on transcript NM_014991.6 (MANE Select); coding-DNA position 8919, T replaced by A.
Protein change: p.His2973Gln; replaces histidine 2973 with glutamine.
Molecular consequence: missense variant.
Genome position (GRCh38, 1-based): chr4:84,693,015, A>T on the plus strand (T>A on the coding strand, the complement: WDFY3 is on the minus strand). VCF-style: chr4-84693015-A-T. GRCh37 (hg19) VCF-style: chr4-85614168-A-T.
Other names: short protein forms H2973Q.
Identifiers: ClinVar variation 3774907 (VCV003774907.1).

ClinVar aggregate classification (germline): Uncertain significance (1 of 4 stars; one submission).

Submission:

GeneDx
Classification: Uncertain significance. Last evaluated: 2024-09-30. Review status: criteria provided, single submitter. Criteria: GeneDx Variant Classification Process June 2021. Collection method: clinical testing. Allele origin: germline. Affected: yes.
Comment: Not observed at significant frequency in large population cohorts (gnomAD); In silico analysis supports that this missense variant has a deleterious effect on protein structure/function; Has not been previously published as pathogenic or benign to our knowledge